The following is an entry in ClinVar:

ClinVar aggregate classification (germline): Likely benign. Review status: criteria provided, single submitter (1 of 4 stars). 2 submissions from 2 submitters: Likely benign (1). 1 of the submissions does not count toward it. Last evaluated 2024-09-12.

Conditions:
UNC13D-related disorder. Also called: UNC13D-related condition.

gnomAD v4.1: 274 of 1,372,506 alleles (0.02%); highest among the groups gnomAD compares: Non-Finnish European, 0.025%; no homozygotes.

Submissions (2):

Blueprint Genetics
Classification: Likely benign. Last evaluated: 2024-09-12. Review status: criteria provided, single submitter. Criteria: ACMG Guidelines, 2015. Collection method: clinical testing. Allele origin: germline.

PreventionGenetics, part of Exact Sciences
Classification: Likely benign for UNC13D-related condition. Last evaluated: 2024-01-05. Review status: no assertion criteria provided. Collection method: clinical testing. Allele origin: germline. Not counted in ClinVar's aggregate classification.
Comment: This variant is classified as likely benign based on ACMG/AMP sequence variant interpretation guidelines (Richards et al. 2015 PMID: 25741868, with internal and published modifications).

NM_199242.3(UNC13D):c.118-321C>G

Gene: UNC13D (unc-13 homolog D; minus strand). Cytogenetic location: 17q25.1.
Variant type: single nucleotide variant.
Coding change: c.118-321C>G on transcript NM_199242.3 (MANE Select); 321 bases into the intron before coding-DNA position 118, C replaced by G.
Molecular consequence: intron variant.
Genome position (GRCh38, 1-based): chr17:75,843,840, G>C on the plus strand (C>G on the coding strand, the complement: UNC13D is on the minus strand). VCF-style: chr17-75843840-G-C. GRCh37 (hg19) VCF-style: chr17-73839921-G-C.
Identifiers: ClinVar variation 3051535 (VCV003051535.3), dbSNP rs912956209, ClinGen allele CA294090515.